The following is an entry in ClinVar:

NM_024652.6(LRRK1):c.4897G>A (p.Val1633Met)

Genes: LRRK1 (leucine rich repeat kinase 1; plus strand), LRRK1-AS1 (LRRK1 antisense RNA 1; minus strand). Cytogenetic location: 15q26.3.
Variant type: single nucleotide variant.
Coding change: c.4897G>A on transcript NM_024652.6 (MANE Select); coding-DNA position 4897, G replaced by A.
Protein change: p.Val1633Met; replaces valine 1633 with methionine.
Molecular consequence: missense variant.
Genome position (GRCh38, 1-based): chr15:101,062,673, G>A. VCF-style: chr15-101062673-G-A. GRCh37 (hg19) VCF-style: chr15-101602878-G-A.
Other names: short protein forms V1633M.
Identifiers: ClinVar variation 1915130 (VCV001915130.3), dbSNP rs552313052, ClinGen allele CA7761995.
Genomic context (GRCh38, chr15:101,062,673, plus strand): 5'-CCCTTAAACACACCCCAACAGGCCTTGGATACTCCAGCTGTCGTCACCTGCTTCTTGGCC[G>A]TGCCTGTTATTAAAAAGGTGAGGTCGGGGCAAAGGCAGGTATGCAGGTCTCTGATGCACT-3'
Protein context (NP_078928.3, residues 1623-1643): TPAVVTCFLA[Val1633Met]PVIKKNSYLV

ClinVar aggregate classification (germline): Uncertain significance (1 of 4 stars; one submission).

Allele frequency attached by ClinVar (database versions not stated): gnomAD 0.00001; gnomAD exomes 0.00002; TOPMed 0.00002; ExAC 0.00004; 1000 Genomes Project 30x 0.00016; 1000 Genomes Project 0.00020.
gnomAD v4.1: 34 of 1,613,510 alleles (0.0021%); highest among the groups gnomAD compares: Admixed American, 0.02%; no homozygotes.

Submission:

Labcorp Genetics (formerly Invitae), Labcorp
Classification: Uncertain significance. Last evaluated: 2022-10-24. Review status: criteria provided, single submitter. Criteria: Invitae Variant Classification Sherloc (09022015). Collection method: clinical testing. Allele origin: germline.
Comment: In summary, the available evidence is currently insufficient to determine the role of this variant in disease. Therefore, it has been classified as a Variant of Uncertain Significance. Algorithms developed to predict the effect of missense changes on protein structure and function (SIFT, PolyPhen-2, Align-GVGD) all suggest that this variant is likely to be tolerated. This variant has not been reported in the literature in individuals affected with LRRK1-related conditions. This variant is present in population databases (rs552313052, gnomAD 0.03%). This sequence change replaces valine, which is neutral and non-polar, with methionine, which is neutral and non-polar, at codon 1633 of the LRRK1 protein (p.Val1633Met).